The following is an entry in ClinVar:

NM_006445.4(PRPF8):c.6838A>G (p.Asn2280Asp)

Gene: PRPF8 (pre-mRNA processing factor 8; minus strand). Cytogenetic location: 17p13.3.
Variant type: single nucleotide variant.
Coding change: c.6838A>G on transcript NM_006445.4 (MANE Select); coding-DNA position 6838, A replaced by G.
Protein change: p.Asn2280Asp; replaces asparagine 2280 with aspartic acid.
Molecular consequence: missense variant.
Genome position (GRCh38, 1-based): chr17:1,651,123, T>C on the plus strand (A>G on the coding strand, the complement: PRPF8 is on the minus strand). VCF-style: chr17-1651123-T-C. GRCh37 (hg19) VCF-style: chr17-1554417-T-C.
Other names: short protein forms N2280D.
Identifiers: ClinVar variation 965683 (VCV000965683.8), dbSNP rs1911029601, ClinGen allele CA397563628.

ClinVar aggregate classification (germline): Conflicting classifications of pathogenicity. Review status: criteria provided, conflicting classifications (1 of 4 stars). 2 submissions from 2 submitters: Pathogenic (1); Uncertain significance (1). Last evaluated 2025-03-17.

Conditions:
Retinitis pigmentosa 13 (RP13). Also called: PRPF 8-Related Retinitis Pigmentosa. Identifiers: Orphanet 791, MedGen C1838702, MONDO:0010806, OMIM 600059.

Submissions (2):

Labcorp Genetics (formerly Invitae), Labcorp
Classification: Pathogenic. Last evaluated: 2025-03-17. Review status: criteria provided, single submitter. Criteria: Invitae Variant Classification Sherloc (09022015). Collection method: clinical testing. Allele origin: germline.
Comment: This sequence change replaces asparagine, which is neutral and polar, with aspartic acid, which is acidic and polar, at codon 2280 of the PRPF8 protein (p.Asn2280Asp). This variant is not present in population databases (gnomAD no frequency). This missense change has been observed in individuals with retinitis pigmentosa (PMID: 34906470, 37734845; internal data). ClinVar contains an entry for this variant (Variation ID: 965683). Invitae Evidence Modeling of protein sequence and biophysical properties (such as structural, functional, and spatial information, amino acid conservation, physicochemical variation, residue mobility, and thermodynamic stability) indicates that this missense variant is expected to disrupt PRPF8 protein function with a positive predictive value of 80%. This variant disrupts the p.Asn2280 amino acid residue in PRPF8. Other variant(s) that disrupt this residue have been observed in individuals with PRPF8-related conditions (PMID: 28076437), which suggests that this may be a clinically significant amino acid residue. For these reasons, this variant has been classified as Pathogenic.

Ocular Genomics Institute, Massachusetts Eye and Ear
Classification: Uncertain significance for Retinitis pigmentosa 13. Last evaluated: 2021-04-08. Review status: criteria provided, single submitter. Criteria: ACMG Guidelines, 2015. Collection method: research. Allele origin: germline. Affected: yes.
Comment: Through a review of available evidence we were able to apply the following criteria: PM2, PM1. Based on this evidence we have classified this variant as Variant of Uncertain Significance.

Literature cited by the submitters: PubMed 34906470 (cited by Labcorp Genetics (formerly Invitae), Labcorp); PubMed 37734845 (cited by Labcorp Genetics (formerly Invitae), Labcorp); PubMed 28076437 (cited by Labcorp Genetics (formerly Invitae), Labcorp and Ocular Genomics Institute, Massachusetts Eye and Ear).